The following is an entry in ClinVar:

ClinVar aggregate classification (germline): Uncertain significance (1 of 4 stars; one submission).

Conditions:
Hereditary cancer-predisposing syndrome. Also called: Neoplastic Syndromes, Hereditary; Tumor predisposition; Hereditary neoplastic syndrome; Hereditary Cancer Syndrome. Identifiers: Orphanet 140162, MedGen C0027672, MeSH D009386, MONDO:0015356.

Submission:

Ambry Genetics
Classification: Uncertain significance for Hereditary cancer-predisposing syndrome. Last evaluated: 2023-12-11. Review status: criteria provided, single submitter. Criteria: Ambry Variant Classification Scheme 2023. Collection method: clinical testing. Allele origin: germline.
Comment: The p.L684Q variant (also known as c.2051T>A), located in coding exon 12 of the PMS2 gene, results from a T to A substitution at nucleotide position 2051. The leucine at codon 684 is replaced by glutamine, an amino acid with dissimilar properties. This amino acid position is conserved. In addition, this alteration is predicted to be deleterious by in silico analysis. Since supporting evidence is limited at this time, the clinical significance of this alteration remains unclear.

NM_000535.7(PMS2):c.2051T>A (p.Leu684Gln)

Gene: PMS2 (PMS1 homolog 2, mismatch repair system component; minus strand). Cytogenetic location: 7p22.1.
Variant type: single nucleotide variant.
Coding change: c.2051T>A on transcript NM_000535.7 (MANE Select); coding-DNA position 2051, T replaced by A.
Protein change: p.Leu684Gln; replaces leucine 684 with glutamine.
Molecular consequence: missense variant. On other transcripts: non-coding transcript variant (1), intron variant (4).
Genome position (GRCh38, 1-based): chr7:5,982,947, A>T on the plus strand (T>A on the coding strand, the complement: PMS2 is on the minus strand). VCF-style: chr7-5982947-A-T. GRCh37 (hg19) VCF-style: chr7-6022578-A-T.
Other names: c.1601+3812T>A (NM_001406908.1, NM_001406910.1); c.1688+3812T>A (NM_001406903.1); c.1646T>A, p.Leu549Gln (NM_001018040.1, NM_001322003.2, NM_001322004.2 and 15 more transcripts); c.1895T>A, p.Leu632Gln (NM_001322006.2, NM_001406870.1); c.1733T>A, p.Leu578Gln (NM_001322007.2, NM_001322008.2, NM_001406876.1 and 1 more transcripts); c.1490T>A, p.Leu497Gln (NM_001322010.2, NM_001406906.1, NM_001406907.1); c.1118T>A, p.Leu373Gln (NM_001322011.2, NM_001322012.2); c.1478T>A, p.Leu493Gln (NM_001322013.2, NM_001406909.1); and 16 more; short protein forms L283Q, L373Q, L427Q, L493Q, L497Q, L513Q, L526Q, L529Q.
Identifiers: ClinVar variation 3231997 (VCV003231997.1), dbSNP rs2128704181, ClinGen allele CA366738102.